The following is an entry in ClinVar:

ClinVar aggregate classification (germline): Uncertain significance (1 of 4 stars; one submission).

gnomAD v4.1: 5 of 1,610,504 alleles (0.00031%); highest among the groups gnomAD compares: Non-Finnish European, 0.00025%; no homozygotes.

Submission:

Labcorp Genetics (formerly Invitae), Labcorp
Classification: Uncertain significance. Last evaluated: 2024-07-06. Review status: criteria provided, single submitter. Criteria: Invitae Variant Classification Sherloc (09022015). Collection method: clinical testing. Allele origin: germline.
Comment: This sequence change replaces histidine, which is basic and polar, with arginine, which is basic and polar, at codon 853 of the PDE8B protein (p.His853Arg). This variant is present in population databases (rs756129467, gnomAD 0.004%). This variant has not been reported in the literature in individuals affected with PDE8B-related conditions. An algorithm developed to predict the effect of missense changes on protein structure and function (PolyPhen-2) suggests that this variant is likely to be tolerated. In summary, the available evidence is currently insufficient to determine the role of this variant in disease. Therefore, it has been classified as a Variant of Uncertain Significance.

NM_003719.5(PDE8B):c.2558A>G (p.His853Arg)

Gene: PDE8B (phosphodiesterase 8B; plus strand). Cytogenetic location: 5q13.3.
Variant type: single nucleotide variant.
Coding change: c.2558A>G on transcript NM_003719.5 (MANE Select); coding-DNA position 2558, A replaced by G.
Protein change: p.His853Arg; replaces histidine 853 with arginine.
Molecular consequence: missense variant.
Genome position (GRCh38, 1-based): chr5:77,426,454, A>G. VCF-style: chr5-77426454-A-G. GRCh37 (hg19) VCF-style: chr5-76722279-A-G.
Other names: c.2267A>G, p.His756Arg (NM_001029851.4); c.2393A>G, p.His798Arg (NM_001029852.4); c.2498A>G, p.His833Arg (NM_001029853.4); c.2417A>G, p.His806Arg (NM_001029854.4); c.2555A>G, p.His852Arg (NM_001349748.3); c.2621A>G, p.His874Arg (NM_001349749.3); c.2318A>G, p.His773Arg (NM_001349750.3); c.2425A>G, p.Ile809Val (NM_001349751.3); and 14 more; short protein forms H632R, H635R, H655R, H704R, H705R, H725R, H729R, H732R.
Identifiers: ClinVar variation 3614951 (VCV003614951.2).